The following is an entry in ClinVar:

NM_001605.3(AARS1):c.1427G>A (p.Arg476Gln)

Gene: AARS1 (alanyl-tRNA synthetase 1; minus strand). Cytogenetic location: 16q22.1.
Variant type: single nucleotide variant.
Coding change: c.1427G>A on transcript NM_001605.3 (MANE Select); coding-DNA position 1427, G replaced by A.
Protein change: p.Arg476Gln; replaces arginine 476 with glutamine.
Molecular consequence: missense variant.
Genome position (GRCh38, 1-based): chr16:70,265,023, C>T on the plus strand (G>A on the coding strand, the complement: AARS1 is on the minus strand). VCF-style: chr16-70265023-C-T. GRCh37 (hg19) VCF-style: chr16-70298926-C-T.
Other names: short protein forms R476Q.
Identifiers: ClinVar variation 1682227 (VCV001682227.7), dbSNP rs755833227, ClinGen allele CA8140817.

ClinVar aggregate classification (germline): Uncertain significance (1 of 4 stars; one submission).

Conditions:
Charcot-Marie-Tooth disease type 2. Also called: Charcot-Marie-Tooth type 2. Identifiers: Orphanet 64746, MedGen C0270914, MONDO:0018993.

Allele frequency attached by ClinVar (database versions not stated): gnomAD exomes below 0.00001; ExAC 0.00001.
gnomAD v4.1: 3 of 1,614,182 alleles (0.00019%); highest among the groups gnomAD compares: Non-Finnish European, 0.000085%; no homozygotes.

Submission:

Labcorp Genetics (formerly Invitae), Labcorp
Classification: Uncertain significance for Charcot-Marie-Tooth disease type 2. Last evaluated: 2023-05-04. Review status: criteria provided, single submitter. Criteria: Invitae Variant Classification Sherloc (09022015). Collection method: clinical testing. Allele origin: germline.
Comment: ClinVar contains an entry for this variant (Variation ID: 1682227). In summary, the available evidence is currently insufficient to determine the role of this variant in disease. Therefore, it has been classified as a Variant of Uncertain Significance. Algorithms developed to predict the effect of missense changes on protein structure and function output the following: SIFT: "Not Available"; PolyPhen-2: "Benign"; Align-GVGD: "Not Available". The glutamine amino acid residue is found in multiple mammalian species, which suggests that this missense change does not adversely affect protein function. This variant has not been reported in the literature in individuals affected with AARS-related conditions. This variant is not present in population databases (gnomAD no frequency). This sequence change replaces arginine, which is basic and polar, with glutamine, which is neutral and polar, at codon 476 of the AARS protein (p.Arg476Gln).